The following is an entry in ClinVar:

ClinVar aggregate classification (germline): Uncertain significance. Review status: criteria provided, multiple submitters, no conflicts (2 of 4 stars). 2 submissions from 2 submitters: Uncertain significance (2). Last evaluated 2023-12-04.

Conditions:
Cardiomyopathy (CMYO). Also called: Cardiomyopathies. Identifiers: Orphanet 167848, MedGen C0878544, MONDO:0004994, HP:0001638. Inheritance: Various modes of inheritance.
Catecholaminergic polymorphic ventricular tachycardia 1. Also called: VENTRICULAR TACHYCARDIA, CATECHOLAMINERGIC POLYMORPHIC, 1, WITH OR WITHOUT ATRIAL DYSFUNCTION AND/OR DILATED CARDIOMYOPATHY; RYR2-Related Catecholaminergic Polymorphic Ventricular Tachycardia; VENTRICULAR TACHYCARDIA, STRESS-INDUCED POLYMORPHIC 1. Identifiers: Orphanet 3286, MedGen C1631597, MONDO:0011484, OMIM 604772.

Submissions (2):

Color Diagnostics, LLC DBA Color Health
Classification: Uncertain significance for Cardiomyopathy. Last evaluated: 2023-12-04. Review status: criteria provided, single submitter. Criteria: ACMG Guidelines, 2015. Collection method: clinical testing. Allele origin: germline.
Comment: Variant of Uncertain Significance due to insufficient evidence: This missense variant is located in the SPRY domain 1 in the cytoplasmic domain of the RYR2 protein. Computational prediction tools and conservation analyses are inconclusive regarding the impact of this variant on the protein function. Computational splicing tools suggest that this variant may not impact RNA splicing. To our knowledge, functional assays have not been performed for this variant nor has this variant been reported in individuals affected with cardiovascular disorders in the literature. This variant is rare in the general population and has been identified in 0/277264 chromosomes by the Genome Aggregation Database (gnomAD). Available evidence is insufficient to determine the pathogenicity of this variant conclusively.

Labcorp Genetics (formerly Invitae), Labcorp
Classification: Uncertain significance for Catecholaminergic polymorphic ventricular tachycardia 1. Last evaluated: 2023-01-22. Review status: criteria provided, single submitter. Criteria: Invitae Variant Classification Sherloc (09022015). Collection method: clinical testing. Allele origin: germline.
Comment: Advanced modeling of protein sequence and biophysical properties (such as structural, functional, and spatial information, amino acid conservation, physicochemical variation, residue mobility, and thermodynamic stability) performed at Invitae indicates that this missense variant is not expected to disrupt RYR2 protein function. This sequence change replaces alanine, which is neutral and non-polar, with valine, which is neutral and non-polar, at codon 763 of the RYR2 protein (p.Ala763Val). This variant is not present in population databases (gnomAD no frequency). This variant has not been reported in the literature in individuals affected with RYR2-related conditions. ClinVar contains an entry for this variant (Variation ID: 924620). In summary, the available evidence is currently insufficient to determine the role of this variant in disease. Therefore, it has been classified as a Variant of Uncertain Significance.

NM_001035.3(RYR2):c.2288C>T (p.Ala763Val)

Gene: RYR2 (ryanodine receptor 2; plus strand). Cytogenetic location: 1q43.
Variant type: single nucleotide variant.
Coding change: c.2288C>T on transcript NM_001035.3 (MANE Select); coding-DNA position 2288, C replaced by T.
Protein change: p.Ala763Val; replaces alanine 763 with valine.
Molecular consequence: missense variant.
Genome position (GRCh38, 1-based): chr1:237,500,795, C>T. VCF-style: chr1-237500795-C-T. GRCh37 (hg19) VCF-style: chr1-237664095-C-T.
Other names: short protein forms A763V.
Identifiers: ClinVar variation 924620 (VCV000924620.9), dbSNP rs1664552898, ClinGen allele CA345393176.
Genomic context (GRCh38, chr1:237,500,795, plus strand): 5'-CACCAAACCAACATCTGTTAAGAACTGATGATGTCATCAGTTGCTGTTTAGATCTGAGTG[C>T]CCCAAGCATCTCGTTCCGAATTAATGGACAACCTGTTCAAGGAATGTTTGAGAATTTCAA-3'
Protein context (NP_001026.2, residues 753-773): DVISCCLDLS[Ala763Val]PSISFRINGQ